The following is an entry in ClinVar:

ClinVar aggregate classification (germline): Uncertain significance (1 of 4 stars; one submission).

Conditions:
Cardiovascular phenotype. Identifiers: MedGen CN230736.

Allele frequency attached by ClinVar (database versions not stated): gnomAD exomes below 0.00001.
gnomAD v4.1: 2 of 1,614,012 alleles (0.00012%); highest among the groups gnomAD compares: Non-Finnish European, 0.00017%; no homozygotes.

Submission:

Ambry Genetics
Classification: Uncertain significance for Cardiovascular phenotype. Last evaluated: 2022-01-03. Review status: criteria provided, single submitter. Criteria: Ambry Variant Classification Scheme 2023. Collection method: clinical testing. Allele origin: germline.
Comment: The p.G2586R variant (also known as c.7756G>C), located in coding exon 10 of the ALMS1 gene, results from a G to C substitution at nucleotide position 7756. The glycine at codon 2586 is replaced by arginine, an amino acid with dissimilar properties. This amino acid position is highly conserved in available vertebrate species. In addition, the in silico prediction for this alteration is inconclusive. Since supporting evidence is limited at this time, the clinical significance of this alteration remains unclear.

NM_001378454.1(ALMS1):c.7753G>C (p.Gly2585Arg)

Gene: ALMS1 (ALMS1 centrosome and basal body associated protein; plus strand). Cytogenetic location: 2p13.1.
Variant type: single nucleotide variant.
Coding change: c.7753G>C on transcript NM_001378454.1 (MANE Select); coding-DNA position 7753, G replaced by C.
Protein change: p.Gly2585Arg; replaces glycine 2585 with arginine.
Molecular consequence: missense variant.
Genome position (GRCh38, 1-based): chr2:73,489,712, G>C. VCF-style: chr2-73489712-G-C. GRCh37 (hg19) VCF-style: chr2-73716839-G-C.
Other names: c.7756G>C, p.Gly2586Arg (NM_015120.4); short protein forms G2585R, G2586R.
Identifiers: ClinVar variation 1760475 (VCV001760475.2), dbSNP rs1672933058, ClinGen allele CA347263998.